The following is an entry in ClinVar:

NM_001035.3(RYR2):c.1842G>T (p.Leu614Phe)

Gene: RYR2 (ryanodine receptor 2; plus strand). Cytogenetic location: 1q43.
Variant type: single nucleotide variant.
Coding change: c.1842G>T on transcript NM_001035.3 (MANE Select); coding-DNA position 1842, G replaced by T.
Protein change: p.Leu614Phe; replaces leucine 614 with phenylalanine.
Molecular consequence: missense variant.
Genome position (GRCh38, 1-based): chr1:237,492,968, G>T. VCF-style: chr1-237492968-G-T. GRCh37 (hg19) VCF-style: chr1-237656268-G-T.
Other names: c.1842G>T (NM_001035.2); short protein forms L614F.
Identifiers: ClinVar variation 922532 (VCV000922532.17), dbSNP rs1227994309, ClinGen allele CA345389241.

ClinVar aggregate classification (germline): Uncertain significance. Review status: criteria provided, multiple submitters, no conflicts (2 of 4 stars). 4 submissions from 4 submitters: Uncertain significance (4). Last evaluated 2026-05-27.

Conditions:
Cardiovascular phenotype. Identifiers: MedGen CN230736.
Catecholaminergic polymorphic ventricular tachycardia (CVPT). Also called: Catecholamine-induced polymorphic ventricular tachycardia. Identifiers: Orphanet 3286, MedGen C5574922, MONDO:0017990.
Cardiomyopathy (CMYO). Also called: Cardiomyopathies. Identifiers: Orphanet 167848, MedGen C0878544, MONDO:0004994, HP:0001638. Inheritance: Various modes of inheritance.
Catecholaminergic polymorphic ventricular tachycardia 1. Also called: VENTRICULAR TACHYCARDIA, STRESS-INDUCED POLYMORPHIC 1; VENTRICULAR TACHYCARDIA, CATECHOLAMINERGIC POLYMORPHIC, 1, WITH OR WITHOUT ATRIAL DYSFUNCTION AND/OR DILATED CARDIOMYOPATHY; RYR2-Related Catecholaminergic Polymorphic Ventricular Tachycardia. Identifiers: Orphanet 3286, MedGen C1631597, MONDO:0011484, OMIM 604772.

Allele frequency attached by ClinVar (database versions not stated): gnomAD exomes below 0.00001.
gnomAD v4.1: 2 of 1,594,320 alleles (0.00013%); highest among the groups gnomAD compares: Admixed American, 0.0017%; no homozygotes.

Submissions (4):

Ambry Genetics
Classification: Uncertain significance for Cardiovascular phenotype. Last evaluated: 2026-05-27. Review status: criteria provided, single submitter. Criteria: Ambry Variant Classification Scheme 2023. Collection method: clinical testing. Allele origin: germline.

Labcorp Genetics (formerly Invitae), Labcorp
Classification: Uncertain significance for Catecholaminergic polymorphic ventricular tachycardia 1. Last evaluated: 2024-10-18. Review status: criteria provided, single submitter. Criteria: Invitae Variant Classification Sherloc (09022015). Collection method: clinical testing. Allele origin: germline.
Comment: This sequence change replaces leucine, which is neutral and non-polar, with phenylalanine, which is neutral and non-polar, at codon 614 of the RYR2 protein (p.Leu614Phe). This variant is not present in population databases (gnomAD no frequency). This variant has not been reported in the literature in individuals affected with RYR2-related conditions. ClinVar contains an entry for this variant (Variation ID: 922532). Invitae Evidence Modeling of protein sequence and biophysical properties (such as structural, functional, and spatial information, amino acid conservation, physicochemical variation, residue mobility, and thermodynamic stability) indicates that this missense variant is expected to disrupt RYR2 protein function with a positive predictive value of 95%. In summary, the available evidence is currently insufficient to determine the role of this variant in disease. Therefore, it has been classified as a Variant of Uncertain Significance.

All of Us Research Program, National Institutes of Health
Classification: Uncertain significance for Catecholaminergic polymorphic ventricular tachycardia. Last evaluated: 2024-04-16. Review status: criteria provided, single submitter. Criteria: ACMG Guidelines, 2015. Collection method: clinical testing. Allele origin: germline. Inheritance: Autosomal dominant inheritance. Observed: 2 variant alleles, 2 heterozygotes.
Comment: This missense variant replaces leucine with phenylalanine at codon 614 of the RYR2 protein. Computational prediction tools and conservation analyses are inconclusive regarding the impact of this variant on the protein function. Computational splicing tools suggest that this variant may not impact RNA splicing. To our knowledge, functional assays have not been performed for this variant nor has this variant been reported in individuals affected with cardiovascular disorders in the literature. This variant has not been identified in the general population by the Genome Aggregation Database (gnomAD). Available evidence is insufficient to determine the role of this variant in disease conclusively. Therefore, this variant is classified as a Variant of Uncertain Significance.

This study involves interpretation of variants in research participants for the purpose of population health screening. Participant phenotype was not available at the time of variant classification. Additional details can be found in publication PMID: 35346344, PMCID: PMC8962531

Color Diagnostics, LLC DBA Color Health
Classification: Uncertain significance for Cardiomyopathy. Last evaluated: 2024-03-06. Review status: criteria provided, single submitter. Criteria: ACMG Guidelines, 2015. Collection method: clinical testing. Allele origin: germline.
Comment: This variant is located in the RYR2 protein. Computational prediction is inconclusive regarding the impact of this variant on protein structure and function (internally defined REVEL score threshold 0.5 < inconclusive < 0.7, PMID: 27666373). To our knowledge, functional studies have not been reported for this variant. This variant has not been reported in individuals affected with cardiovascular disorders in the literature. This variant has not been identified in the general population by the Genome Aggregation Database (gnomAD). The available evidence is insufficient to determine the role of this variant in disease conclusively. Therefore, this variant is classified as a Variant of Uncertain Significance.